The following is an entry in ClinVar:

ClinVar aggregate classification (germline): Likely benign (0 of 4 stars; one submission).

Conditions:
NBAS-related disorder. Also called: NBAS-related condition.

Submission:

PreventionGenetics, part of Exact Sciences
Classification: Likely benign for NBAS-related condition. Last evaluated: 2022-12-14. Review status: no assertion criteria provided. Collection method: clinical testing. Allele origin: germline.
Comment: This variant is classified as likely benign based on ACMG/AMP sequence variant interpretation guidelines (Richards et al. 2015 PMID: 25741868, with internal and published modifications).

NM_015909.4(NBAS):c.1923A>G (p.Glu641=)

Gene: NBAS (NBAS subunit of NRZ tethering complex; minus strand). Cytogenetic location: 2p24.3.
Variant type: single nucleotide variant.
Coding change: c.1923A>G on transcript NM_015909.4 (MANE Select); coding-DNA position 1923, A replaced by G.
Protein change: p.Glu641=; no amino-acid change (glutamic acid 641 retained).
Molecular consequence: synonymous variant. On other transcripts: non-coding transcript variant (1).
Genome position (GRCh38, 1-based): chr2:15,467,759, T>C on the plus strand (A>G on the coding strand, the complement: NBAS is on the minus strand). VCF-style: chr2-15467759-T-C. GRCh37 (hg19) VCF-style: chr2-15607883-T-C.
Identifiers: ClinVar variation 3046827 (VCV003046827.2), dbSNP rs2528107047, ClinGen allele CA424870138.